The following is an entry in ClinVar:

NM_001039591.3(USP9X):c.5304A>C (p.Ala1768=)

Gene: USP9X (ubiquitin specific peptidase 9 X-linked; plus strand). Cytogenetic location: Xp11.4.
Variant type: single nucleotide variant.
Coding change: c.5304A>C on transcript NM_001039591.3 (MANE Select); coding-DNA position 5304, A replaced by C.
Protein change: p.Ala1768=; no amino-acid change (alanine 1768 retained).
Molecular consequence: synonymous variant.
Genome position (GRCh38, 1-based): chrX:41,214,682, A>C. VCF-style: chrX-41214682-A-C. GRCh37 (hg19) VCF-style: chrX-41073935-A-C.
Other names: c.5304A>C, p.Ala1768= (NM_001039590.3); c.5319A>C, p.Ala1773= (NM_001410748.1, NM_001410749.1).
Identifiers: ClinVar variation 3049887 (VCV003049887.2), dbSNP rs908408746, ClinGen allele CA329025986.
Genomic context (GRCh38, chrX:41,214,682, plus strand): 5'-AAATCTTCTTGATTCTTTGGAACAGTATGTCAAAGGAGATTTACTAGAAGGTGCAAATGC[A>C]TATCATTGTGAAAAATGCAATAAAAAGGTACGGGCTGTCCAGTTTTGTTTAATTTTGATT-3'
Protein context (NP_001034680.2, residues 1758-1778): VKGDLLEGAN[Ala1768=]YHCEKCNKKV

ClinVar aggregate classification (germline): Likely benign (0 of 4 stars; one submission).

Conditions:
USP9X-related disorder. Also called: USP9X-related condition.

Allele frequency attached by ClinVar (database versions not stated): gnomAD 0.00004; TOPMed 0.00005.
gnomAD v4.1: 15 of 1,196,513 alleles (0.0013%); highest among the groups gnomAD compares: Non-Finnish European, 0.0017%; no homozygotes.

Submission:

PreventionGenetics, part of Exact Sciences
Classification: Likely benign for USP9X-related condition. Last evaluated: 2019-07-23. Review status: no assertion criteria provided. Collection method: clinical testing. Allele origin: germline.
Comment: This variant is classified as likely benign based on ACMG/AMP sequence variant interpretation guidelines (Richards et al. 2015 PMID: 25741868, with internal and published modifications).